The following is an entry in ClinVar:

NM_006977.5(ZBTB25):c.529G>A (p.Asp177Asn)

Gene: ZBTB25 (zinc finger and BTB domain containing 25; minus strand). Cytogenetic location: 14q23.3.
Variant type: single nucleotide variant.
Coding change: c.529G>A on transcript NM_006977.5 (MANE Select); coding-DNA position 529, G replaced by A.
Protein change: p.Asp177Asn; replaces aspartic acid 177 with asparagine.
Molecular consequence: missense variant. On other transcripts: intron variant (1).
Genome position (GRCh38, 1-based): chr14:64,487,702, C>T on the plus strand (G>A on the coding strand, the complement: ZBTB25 is on the minus strand). VCF-style: chr14-64487702-C-T. GRCh37 (hg19) VCF-style: chr14-64954420-C-T.
Other names: c.529G>A, p.Asp177Asn (NM_001304507.1, NM_001354683.2, NM_001354684.2 and 3 more transcripts); c.646G>A, p.Asp216Asn (NM_001354682.2); c.173+2659G>A (NM_001304508.1); short protein forms D177N, D216N.
Identifiers: ClinVar variation 3045091 (VCV003045091.2), dbSNP rs142592421, ClinGen allele CA7227074.

ClinVar aggregate classification (germline): Benign (0 of 4 stars; one submission).

Conditions:
ZBTB25-related disorder. Also called: ZBTB25-related condition.

Allele frequency attached by ClinVar (database versions not stated): 1000 Genomes Project 30x 0.00219; 1000 Genomes Project 0.00220; ExAC 0.00302; gnomAD 0.00335; ESP Exome Variant Server 0.00392.

Submission:

PreventionGenetics, part of Exact Sciences
Classification: Benign for ZBTB25-related condition. Last evaluated: 2019-11-04. Review status: no assertion criteria provided. Collection method: clinical testing. Allele origin: germline.
Comment: This variant is classified as benign based on ACMG/AMP sequence variant interpretation guidelines (Richards et al. 2015 PMID: 25741868, with internal and published modifications).